The following is an entry in ClinVar:

ClinVar aggregate classification (germline): Uncertain significance (1 of 4 stars; one submission).

Submission:

Labcorp Genetics (formerly Invitae), Labcorp
Classification: Uncertain significance. Last evaluated: 2024-05-28. Review status: criteria provided, single submitter. Criteria: Invitae Variant Classification Sherloc (09022015). Collection method: clinical testing. Allele origin: germline.
Comment: This sequence change replaces glycine, which is neutral and non-polar, with serine, which is neutral and polar, at codon 455 of the CTNNB1 protein (p.Gly455Ser). This variant is not present in population databases (gnomAD no frequency). This variant has not been reported in the literature in individuals affected with CTNNB1-related conditions. Advanced modeling of protein sequence and biophysical properties (such as structural, functional, and spatial information, amino acid conservation, physicochemical variation, residue mobility, and thermodynamic stability) performed at Invitae indicates that this missense variant is not expected to disrupt CTNNB1 protein function with a negative predictive value of 80%. In summary, the available evidence is currently insufficient to determine the role of this variant in disease. Therefore, it has been classified as a Variant of Uncertain Significance.

NM_001904.4(CTNNB1):c.1363G>A (p.Gly455Ser)

Genes: CTNNB1 (catenin beta 1; plus strand), LOC126806659 (BRD4-independent group 4 enhancer GRCh37_chr3:41274918-41276117; plus strand). Cytogenetic location: 3p22.1.
Variant type: single nucleotide variant.
Coding change: c.1363G>A on transcript NM_001904.4 (MANE Select); coding-DNA position 1363, G replaced by A.
Protein change: p.Gly455Ser; replaces glycine 455 with serine.
Molecular consequence: missense variant.
Genome position (GRCh38, 1-based): chr3:41,233,706, G>A. VCF-style: chr3-41233706-G-A. GRCh37 (hg19) VCF-style: chr3-41275197-G-A.
Other names: c.1363G>A, p.Gly455Ser (NM_001098209.2, NM_001098210.2); c.1342G>A, p.Gly448Ser (NM_001330729.2); short protein forms G448S, G455S.
Identifiers: ClinVar variation 3654858 (VCV003654858.2).